The following is an entry in ClinVar:

NM_138420.4(AHNAK2):c.1208G>A (p.Arg403Lys)

Gene: AHNAK2 (AHNAK nucleoprotein 2; minus strand). Cytogenetic location: 14q32.33.
Variant type: single nucleotide variant.
Coding change: c.1208G>A on transcript NM_138420.4 (MANE Select); coding-DNA position 1208, G replaced by A.
Protein change: p.Arg403Lys; replaces arginine 403 with lysine.
Molecular consequence: missense variant.
Genome position (GRCh38, 1-based): chr14:104,954,243, C>T on the plus strand (G>A on the coding strand, the complement: AHNAK2 is on the minus strand). VCF-style: chr14-104954243-C-T. GRCh37 (hg19) VCF-style: chr14-105420580-C-T.
Other names: c.1208G>A (NM_138420.2); c.908G>A, p.Arg303Lys (NM_001350929.2); short protein forms R303K, R403K.
Identifiers: ClinVar variation 2644892 (VCV002644892.25), dbSNP rs201266243, ClinGen allele CA7383876.
Genomic context (GRCh38, chr14:104,954,243, plus strand): 5'-GTCTTTCCATGGAGCCTGGCTGCCCTGAGTCCCCCTTCCTGAGGGGTTCCCTCGCAAAGT[C>T]TAGGGTCACCGAGCTCTGTGGGCAATGGCATGCTCTGAGCAGGCATCACTTCTCGATCCT-3'
Protein context (NP_612429.2, residues 393-413): MPLPTELGDP[Arg403Lys]LCEGTPQEGG

ClinVar aggregate classification (germline): Conflicting classifications of pathogenicity. Review status: criteria provided, conflicting classifications (1 of 4 stars). 2 submissions from 2 submitters: Uncertain significance (1); Benign (1). Last evaluated 2024-08-08.

Allele frequency attached by ClinVar (database versions not stated): gnomAD exomes 0.00008; 1000 Genomes Project 30x 0.00016; ExAC 0.00016; 1000 Genomes Project 0.00020; ESP Exome Variant Server 0.00024; gnomAD 0.00046; TOPMed 0.00051.
gnomAD v4.1: 190 of 1,612,472 alleles (0.012%); highest among the groups gnomAD compares: African/African-American, 0.17%; no homozygotes.

Submissions (2):

Ambry Genetics
Classification: Uncertain significance. Last evaluated: 2024-08-08. Review status: criteria provided, single submitter. Criteria: Ambry Variant Classification Scheme 2023. Collection method: clinical testing. Allele origin: germline.

CeGaT Center for Human Genetics Tuebingen
Classification: Benign. Last evaluated: 2024-06-01. Review status: criteria provided, single submitter. Criteria: CeGaT Center For Human Genetics Tuebingen Variant Classification Criteria Version 2. Collection method: clinical testing. Allele origin: germline. Affected: yes. Observed: 2 variant alleles.
Comment: AHNAK2: BP4, BS1, BS2